The following is an entry in ClinVar:

NC_000007.14:g.(?_128858326)_(128858533_?)del

Gene: FLNC (filamin C; plus strand). Cytogenetic location: 7q32.1.
Variant type: Deletion.
Identifiers: ClinVar variation 832202 (VCV000832202.3).

ClinVar aggregate classification (germline): Uncertain significance (1 of 4 stars; one submission).

Conditions:
Myofibrillar myopathy 5. Also called: Filaminopathy (type); FILAMINOPATHY, AUTOSOMAL DOMINANT. Identifiers: Orphanet 171445, MedGen C1836050, MONDO:0012289, OMIM 609524.
Hypertrophic cardiomyopathy 26. Also called: Cardiomyopathy, familial hypertrophic, 26. Identifiers: Orphanet 75249, MedGen C4310749, MONDO:0014883, OMIM 617047.
Distal myopathy with posterior leg and anterior hand involvement. Also called: WILLIAMS DISTAL MYOPATHY. Identifiers: Orphanet 63273, MedGen C3279722, MONDO:0013550, OMIM 614065.
Dilated Cardiomyopathy, Dominant.

Submission:

Labcorp Genetics (formerly Invitae), Labcorp
Classification: Uncertain significance for Distal myopathy with posterior leg and anterior hand involvement; Myofibrillar myopathy 5; Hypertrophic cardiomyopathy 26. Last evaluated: 2022-03-19. Review status: criteria provided, single submitter. Criteria: Invitae Variant Classification Sherloc (09022015). Collection method: clinical testing. Allele origin: germline.
Comment: In summary, the available evidence is currently insufficient to determine the role of this variant in disease. Therefore, it has been classified as a Variant of Uncertain Significance. This variant has not been reported in the literature in individuals affected with FLNC-related conditions. This variant is a gross deletion of the genomic region encompassing exon(s) 48 of the FLNC gene, which includes the termination codon. This deletion extends beyond the assayed region for this gene and therefore may encompass additional genes. While this deletion is not anticipated to lead to nonsense mediated decay, it is expected to alter mRNA translation or result in a truncated protein product.